The following is an entry in ClinVar:

NM_000443.4(ABCB4):c.2212-14A>G

Gene: ABCB4 (ATP binding cassette subfamily B member 4; minus strand). Cytogenetic location: 7q21.12.
Variant type: single nucleotide variant.
Coding change: c.2212-14A>G on transcript NM_000443.4 (MANE Select); 14 bases into the intron before coding-DNA position 2212, A replaced by G.
Molecular consequence: intron variant.
Genome position (GRCh38, 1-based): chr7:87,422,239, T>C on the plus strand (A>G on the coding strand, the complement: ABCB4 is on the minus strand). VCF-style: chr7-87422239-T-C. GRCh37 (hg19) VCF-style: chr7-87051555-T-C.
Other names: c.2212-14A>G (NM_018850.3, NM_018849.3).
Identifiers: ClinVar variation 4854852 (VCV004854852.1).
Genomic context (GRCh38, chr7:87,422,239, plus strand): 5'-ATGTTGCACTTCTGCTGCTTCACTGCATCATCGCCTGGTCCAAAAATCTACAAAAGAATA[T>C]TTAAAACGCCCACTTGGATTACATAACTGATCCTTCTTCATTCCTCTCATAAATAGTGGC-3'

ClinVar aggregate classification (germline): Uncertain significance (1 of 4 stars; one submission).

Conditions:
Progressive familial intrahepatic cholestasis type 3. Also called: MDR3 DEFICIENCY; Low Gamma-GT Familial Intrahepatic Cholestasis. Identifiers: Orphanet 79305, MedGen C1865643, MONDO:0011214, OMIM 602347.

Submission:

3billion
Classification: Uncertain significance for Progressive familial intrahepatic cholestasis type 3. Last evaluated: 2026-01-07. Review status: criteria provided, single submitter. Criteria: ACMG Guidelines, 2015. Collection method: clinical testing. Allele origin: germline. Affected: yes.
Comment: The variant is not observed in the gnomAD v4.1.0 dataset. Predicted Consequence/Location: Intron variant In silico tools predict the variant to alter splicing and produce an abnormal transcript [SpliceAI: 0.57 (>=0.2, moderate evidence for spliceogenicity)]. Therefore, this variant is classified as VUS according to the recommendation of ACMG/AMP guideline.